The following is an entry in ClinVar:

NM_000937.5(POLR2A):c.5224_5227del (p.Ser1742fs)

Gene: POLR2A (RNA polymerase II subunit A; plus strand). Cytogenetic location: 17p13.1.
Variant type: Deletion.
Coding change: c.5224_5227del on transcript NM_000937.5 (MANE Select); coding-DNA positions 5224 to 5227, 4 bases deleted (TCAC; older notation c.5224_5227delTCAC).
Protein change: p.Ser1742fs; shifts the reading frame from serine 1742.
Molecular consequence: frameshift variant.
Genome position (GRCh38, 1-based): chr17:7,513,488-7,513,491, TCAC deleted; deleting any 4 consecutive bases within chr17:7,513,486-7,513,491 gives the same sequence; the c. name uses the placement nearest the transcript's 3' end. VCF-style (leftmost placement, unchanged base first): chr17-7513485-TACTC-T. GRCh37 (hg19) VCF-style: chr17-7416804-TACTC-T.
Other names: short protein forms S1742fs.
Identifiers: ClinVar variation 3372761 (VCV003372761.1).
Genomic context (GRCh38, chr17:7,513,485, plus strand): 5'-TCACCTACCTCTCCAAGCTATTCACCCACCTCCCCCAGCTACTCACCCACTTCCCCAAGT[TACTC>T]ACCCACCAGCCCGAACTATTCTCCAACCAGTCCCAATTACACCCCAACATCACCCAGCTA-3'

ClinVar aggregate classification (germline): Uncertain significance (1 of 4 stars; one submission).

Submission:

GeneDx
Classification: Uncertain significance. Last evaluated: 2024-04-24. Review status: criteria provided, single submitter. Criteria: GeneDx Variant Classification Process June 2021. Collection method: clinical testing. Allele origin: germline. Affected: yes.
Comment: Not observed at significant frequency in large population cohorts (gnomAD); Frameshift variant predicted to result in abnormal protein length as the last 229 amino acids are replaced with 237 different amino acids; Has not been previously published as pathogenic or benign to our knowledge